The following is an entry in ClinVar:

NM_018946.4(NANS):c.484A>G (p.Met162Val)

Genes: NANS (N-acetylneuraminate synthase; plus strand), TRIM14 (tripartite motif containing 14; minus strand). Cytogenetic location: 9q22.33.
Variant type: single nucleotide variant.
Coding change: c.484A>G on transcript NM_018946.4 (MANE Select); coding-DNA position 484, A replaced by G.
Protein change: p.Met162Val; replaces methionine 162 with valine.
Molecular consequence: missense variant.
Genome position (GRCh38, 1-based): chr9:98,078,228, A>G. VCF-style: chr9-98078228-A-G. GRCh37 (hg19) VCF-style: chr9-100840510-A-G.
Other names: short protein forms M162V.
Identifiers: ClinVar variation 1965193 (VCV001965193.2), dbSNP rs1359203722, ClinGen allele CA374198586.

ClinVar aggregate classification (germline): Uncertain significance (1 of 4 stars; one submission).

Allele frequency attached by ClinVar (database versions not stated): gnomAD exomes 0.00001; TOPMed 0.00002; gnomAD 0.00003.
gnomAD v4.1: 23 of 1,614,042 alleles (0.0014%); highest among the groups gnomAD compares: Middle Eastern, 0.016%; no homozygotes.

Submission:

Labcorp Genetics (formerly Invitae), Labcorp
Classification: Uncertain significance. Last evaluated: 2022-03-21. Review status: criteria provided, single submitter. Criteria: Invitae Variant Classification Sherloc (09022015). Collection method: clinical testing. Allele origin: germline.
Comment: This sequence change replaces methionine, which is neutral and non-polar, with valine, which is neutral and non-polar, at codon 162 of the NANS protein (p.Met162Val). This variant is present in population databases (no rsID available, gnomAD 0.005%). This variant has not been reported in the literature in individuals affected with NANS-related conditions. Algorithms developed to predict the effect of missense changes on protein structure and function are either unavailable or do not agree on the potential impact of this missense change (SIFT: "Deleterious"; PolyPhen-2: "Benign"; Align-GVGD: "Class C0"). In summary, the available evidence is currently insufficient to determine the role of this variant in disease. Therefore, it has been classified as a Variant of Uncertain Significance.